The following is an entry in ClinVar:

ClinVar aggregate classification (germline): Uncertain significance (1 of 4 stars; one submission).

Submission:

Women's Health and Genetics/Laboratory Corporation of America, LabCorp
Classification: Uncertain significance. Last evaluated: 2020-11-06. Review status: criteria provided, single submitter. Criteria: LabCorp Variant Classification Summary - May 2015. Collection method: clinical testing. Allele origin: germline.
Comment: Variant summary: The variant identified by MLPA or other technology involves the duplication of exons 45-51 in the DMD gene. A presumed nomenclature of c.(6438+1_6439-1)_(7542+1_7543-1)dup has been designated for the purposes of this classification. It has been assumed that this is a tandem duplication in direct orientation (Richardson_GIM_2018, Neuman_AJHG_2015). Although exact breakpoints of this duplication are not known, it is expected to result in a large in-frame duplication change in the DMD gene. The variant was absent in 21642 control chromosomes. The available data on variant occurrences in the general population are insufficient to allow any conclusion about variant significance. c.(6438+1_6439-1)_(7542+1_7543-1)dup has been reported in the literature in at-least three individuals affected with Duchenne or Becker muscular dystrophy (Hu_1990, Buzin_2005, Ling_2020). However in the family described for one of these patients (Hu_1989 and Hu_1990), the variant was identified in a reportedly unaffected maternal grandfather and transmitted to his presumptive carrier daughter (reported with elevated CK levels and not captured as a genotyped affected) and her affected son. None of these reports provided the exact breakpoints of the variation described. Therefore, these data do not allow any conclusion about variant significance. To our knowledge, no experimental evidence demonstrating an impact on protein function has been reported. No clinical diagnostic laboratories have submitted clinical-significance assessments for this variant to ClinVar after 2014. Based on the evidence outlined above, the variant was classified as uncertain significance.

Literature cited by the submitters: PubMed 15643612; PubMed 2567117; PubMed 2316519; PubMed 31705731.

NC_000023.10:g.(31747866_31792076)_(31986632_32235032)dup

Gene: DMD (dystrophin; minus strand). Cytogenetic location: Xp21.1.
Variant type: Duplication.
Identifiers: ClinVar variation 987813 (VCV000987813.1).